The following is an entry in ClinVar:

NM_005554.4(KRT6A):c.511A>G (p.Asn171Asp)

Gene: KRT6A (keratin 6A; minus strand). Cytogenetic location: 12q13.13.
Variant type: single nucleotide variant.
Coding change: c.511A>G on transcript NM_005554.4 (MANE Select); coding-DNA position 511, A replaced by G.
Protein change: p.Asn171Asp; replaces asparagine 171 with aspartic acid.
Molecular consequence: missense variant.
Genome position (GRCh38, 1-based): chr12:52,492,678, T>C on the plus strand (A>G on the coding strand, the complement: KRT6A is on the minus strand). VCF-style: chr12-52492678-T-C. GRCh37 (hg19) VCF-style: chr12-52886462-T-C.
Other names: short protein forms N171D.
Identifiers: ClinVar variation 66585 (VCV000066585.4), dbSNP rs62635294, ClinGen allele CA217351.

ClinVar aggregate classification (germline): Pathogenic. Review status: criteria provided, single submitter (1 of 4 stars). 3 submissions from 3 submitters: Pathogenic (1). 2 of the submissions do not count toward it. Last evaluated 2016-02-15.

Conditions:
Pachyonychia congenita 3 (PC3). Also called: KRT6A-Related Pachyonychia Congenita; PC-K6a. Identifiers: Orphanet 2309, MedGen C3714948, MONDO:0014324, OMIM 615726.

Submissions (3):

GeneDx
Classification: Pathogenic. Last evaluated: 2016-02-15. Review status: criteria provided, single submitter. Criteria: GeneDx Variant Classification (06012015). Collection method: clinical testing. Allele origin: germline. Affected: yes.
Comment: The N171D variant in the KRT6A gene has been published previously in association with pachyonychia congenita (Liao et al., 2007; Bai et al., 2009). It was not observed in approximately 6,500 individuals of European and African American ancestry in the NHLBI Exome Sequencing Project, indicating it is not a common benign variant in these populations. The N171D variant is a semi-conservative amino acid substitution, which may impact secondary protein structure as these residues differ in some properties. This substitution occurs within a known mutational hotspot region (helix initiation motif) that is highly conserved across all species and among all members of the keratin family. Many other pathogenic variants in patients with pachyonychia congenita have been reported at the same codon (N171Y/S/T/K) and in nearby residues (Q166P, I167S/N, L170F, F174V/I/C/S, S176P) according to the Human Gene Mutation Database (Stenson et al., 2014). Studies of the N171D variant in a humanized mouse model recapitulated the PC phenotype seen in human skin (GarcÃ­a et al., 2011). It is well established that keratin gene mutations affecting the residues at the ends of the central rod domains of the keratin proteins (helix initiation and termination motifs) interfere with proper keratin intermediate filament assembly and function, resulting in hyperkeratosis and cell fragility (Chamcheu et al., 2011). In addition, the KRT6A gene has a low rate of benign missense variations. Therefore, we consider N171D to be pathogenic.

Epithelial Biology;  Institute of Medical Biology, Singapore
No classification provided. Review status: no classification provided. Collection method: not provided. Allele origin: not provided. Not counted in ClinVar's aggregate classification.

GeneReviews
No classification provided. Condition: Pachyonychia congenita 3. Review status: no classification provided. Collection method: literature only. Allele origin: germline. Affected: yes. Not counted in ClinVar's aggregate classification.

Literature cited by the submitters: NCBI Bookshelf NBK1280 (cited by GeneReviews).